The following is an entry in ClinVar:

ClinVar aggregate classification (germline): Uncertain significance (1 of 4 stars; one submission).

Allele frequency attached by ClinVar (database versions not stated): ESP Exome Variant Server 0.00031.
gnomAD v4.1: 89 of 1,610,234 alleles (0.0055%); highest among the groups gnomAD compares: African/African-American, 0.061%; no homozygotes.

Submission:

Ambry Genetics
Classification: Uncertain significance. Last evaluated: 2026-02-04. Review status: criteria provided, single submitter. Criteria: Ambry Variant Classification Scheme 2023. Collection method: clinical testing. Allele origin: germline.
Comment: The c.3388C>T (p.R1130C) alteration is located in exon 25 (coding exon 25) of the MYBBP1A gene. This alteration results from a C to T substitution at nucleotide position 3388, causing the arginine (R) at amino acid position 1130 to be replaced by a cysteine (C). Based on data from gnomAD, the T allele has an overall frequency of 0.007% (20/278212) total alleles studied. The highest observed frequency was 0.048% (12/24816) of African alleles. Based on insufficient or conflicting evidence, the clinical significance of this alteration remains unclear.

NM_014520.4(MYBBP1A):c.3388C>T (p.Arg1130Cys)

Gene: MYBBP1A (MYB binding protein 1a; minus strand). Cytogenetic location: 17p13.2.
Variant type: single nucleotide variant.
Coding change: c.3388C>T on transcript NM_014520.4 (MANE Select); coding-DNA position 3388, C replaced by T.
Protein change: p.Arg1130Cys; replaces arginine 1130 with cysteine.
Molecular consequence: missense variant.
Genome position (GRCh38, 1-based): chr17:4,540,394, G>A on the plus strand (C>T on the coding strand, the complement: MYBBP1A is on the minus strand). VCF-style: chr17-4540394-G-A. GRCh37 (hg19) VCF-style: chr17-4443689-G-A.
Other names: c.3388C>T, p.Arg1130Cys (NM_001105538.2); short protein forms R1130C.
Identifiers: ClinVar variation 3153371 (VCV003153371.2), dbSNP rs138042708, ClinGen allele CA8304064.